The following is an entry in ClinVar:

ClinVar aggregate classification (germline): Likely benign (1 of 4 stars; one submission).

Allele frequency attached by ClinVar (database versions not stated): gnomAD 0.00001; gnomAD exomes 0.00001; ExAC 0.00006.
gnomAD v4.1: 11 of 1,606,996 alleles (0.00068%); highest among the groups gnomAD compares: South Asian, 0.0056%; no homozygotes.

Submission:

CeGaT Center for Human Genetics Tuebingen
Classification: Likely benign. Last evaluated: 2023-08-01. Review status: criteria provided, single submitter. Criteria: CeGaT Center For Human Genetics Tuebingen Variant Classification Criteria Version 2. Collection method: clinical testing. Allele origin: germline. Affected: yes. Observed: 2 variant alleles.
Comment: KIR2DL4: BP4, BP7

NM_001080770.2(KIR2DL4):c.384T>C (p.Leu128=)

Gene: KIR2DL4 (killer cell immunoglobulin like receptor, two Ig domains and long cytoplasmic tail 4). Cytogenetic location: 19q13.42.
Variant type: single nucleotide variant.
Coding change: c.384T>C on transcript NM_001080770.2 (MANE Select); coding-DNA position 384, T replaced by C.
Protein change: p.Leu128=; no amino-acid change (leucine 128 retained).
Molecular consequence: synonymous variant.
Genome position (GRCh38, 1-based): chr19:54,805,973, T>C. VCF-style: chr19-54805973-T-C. GRCh37 (hg19) VCF-style: chr19-55317428-T-C.
Other names: c.384T>C, p.Leu128= (NM_001080772.2).
Identifiers: ClinVar variation 2650474 (VCV002650474.24), dbSNP rs778634886, ClinGen allele CA309908055.